The following is an entry in ClinVar:

NM_002578.5(PAK3):c.1211-1G>T

Gene: PAK3 (p21 (RAC1) activated kinase 3; plus strand). Cytogenetic location: Xq23.
Variant type: single nucleotide variant.
Coding change: c.1211-1G>T on transcript NM_002578.5 (MANE Select); the canonical splice acceptor site of the intron before coding-DNA position 1211, G replaced by T.
Molecular consequence: splice acceptor variant.
Genome position (GRCh38, 1-based): chrX:111,196,443, G>T. VCF-style: chrX-111196443-G-T. GRCh37 (hg19) VCF-style: chrX-110439671-G-T.
Other names: c.1211-1G>T (NM_001128166.3, NM_001324325.2, NM_001324330.2 and 5 more transcripts); c.1319-1G>T (NM_001128168.3); c.1256-1G>T (NM_001128173.3, NM_001324329.2, NM_001324327.2 and 2 more transcripts); c.1274-1G>T (NM_001128172.2).
Identifiers: ClinVar variation 3356476 (VCV003356476.1).

ClinVar aggregate classification (germline): Uncertain significance (0 of 4 stars; one submission).

Conditions:
PAK3-related disorder. Also called: PAK3-related condition.

Submission:

PreventionGenetics, part of Exact Sciences
Classification: Uncertain significance for PAK3-related condition. Last evaluated: 2024-03-25. Review status: no assertion criteria provided. Collection method: clinical testing. Allele origin: germline.
Comment: The PAK3 c.1211-1G>T variant is predicted to disrupt the AG splice acceptor site and interfere with normal splicing. To our knowledge, this variant has not been reported in the literature or in a large population database, indicating this variant is rare. Although we suspect that this variant may be pathogenic, at this time, the clinical significance of this variant is uncertain due to the absence of conclusive functional and genetic evidence.